The following is an entry in ClinVar:

ClinVar aggregate classification (germline): Conflicting classifications of pathogenicity. Review status: criteria provided, conflicting classifications (1 of 4 stars). 5 submissions from 5 submitters: Uncertain significance (4); Likely benign (1). Last evaluated 2026-07-28.

Conditions:
Hereditary cancer-predisposing syndrome. Also called: Neoplastic Syndromes, Hereditary; Hereditary neoplastic syndrome; Hereditary Cancer Syndrome; Tumor predisposition. Identifiers: Orphanet 140162, MedGen C0027672, MeSH D009386, MONDO:0015356.
Hereditary diffuse gastric adenocarcinoma (HDGC). Also called: DIFFUSE GASTRIC AND LOBULAR BREAST CANCER SYNDROME. Identifiers: Orphanet 26106, MedGen C1708349, MONDO:0007648, OMIM 137215.

Allele frequency attached by ClinVar (database versions not stated): gnomAD exomes below 0.00001; ExAC 0.00001; TOPMed 0.00001; gnomAD 0.00003; 1000 Genomes Project 0.00020; 1000 Genomes Project 30x 0.00031.
gnomAD v4.1: 7 of 1,613,966 alleles (0.00043%); highest among the groups gnomAD compares: African/African-American, 0.0093%; no homozygotes.

Submissions (5):

Ambry Genetics
Classification: Likely benign for Hereditary cancer-predisposing syndrome. Last evaluated: 2026-07-28. Review status: criteria provided, single submitter. Criteria: Ambry Variant Classification Scheme 2023. Collection method: clinical testing. Allele origin: germline.

Labcorp Genetics (formerly Invitae), Labcorp
Classification: Uncertain significance for Hereditary diffuse gastric adenocarcinoma. Last evaluated: 2026-01-26. Review status: criteria provided, single submitter. Criteria: Invitae Variant Classification Sherloc (09022015). Collection method: clinical testing. Allele origin: germline.
Comment: This sequence change replaces alanine, which is neutral and non-polar, with aspartic acid, which is acidic and polar, at codon 691 of the CDH1 protein (p.Ala691Asp). This variant is present in population databases (rs569086883, gnomAD 0.007%). This variant has not been reported in the literature in individuals affected with CDH1-related conditions. ClinVar contains an entry for this variant (Variation ID: 449851). An algorithm developed to predict the effect of missense changes on protein structure and function (PolyPhen-2) suggests that this variant is likely to be tolerated. In summary, the available evidence is currently insufficient to determine the role of this variant in disease. Therefore, it has been classified as a Variant of Uncertain Significance.

Color Diagnostics, LLC DBA Color Health
Classification: Uncertain significance for Hereditary cancer-predisposing syndrome. Last evaluated: 2023-12-05. Review status: criteria provided, single submitter. Criteria: ACMG Guidelines, 2015. Collection method: clinical testing. Allele origin: germline.
Comment: This missense variant replaces alanine with aspartic acid at codon 691 of the CDH1 protein. To our knowledge, functional studies have not been reported for this variant. This variant has not been reported in individuals affected with CDH1-related disorders in the literature. This variant has been identified in 1/251420 chromosomes in the general population by the Genome Aggregation Database (gnomAD). The available evidence is insufficient to determine the role of this variant in disease conclusively. Therefore, this variant is classified as a Variant of Uncertain Significance.

Quest Diagnostics Nichols Institute San Juan Capistrano
Classification: Uncertain significance. Last evaluated: 2023-10-26. Review status: criteria provided, single submitter. Criteria: Quest Diagnostics criteria. Collection method: clinical testing. Allele origin: unknown.
Comment: The CDH1 c.2072C>A (p.Ala691Asp) variant has not been reported in individuals with CDH1-related conditions in the published literature. The frequency of this variant in the general population, 0.000004 (1/251420 chromosomes (Genome Aggregation Database)), is uninformative in the assessment of its pathogenicity. Analysis of this variant using bioinformatics tools for the prediction of the effect of amino acid changes on protein structure and function yielded predictions that this variant is benign. Based on the available information, we are unable to determine the clinical significance of this variant.

GeneDx
Classification: Uncertain significance. Last evaluated: 2017-02-06. Review status: criteria provided, single submitter. Criteria: GeneDx Variant Classification (06012015). Collection method: clinical testing. Allele origin: germline. Affected: yes.
Comment: This variant is denoted CDH1 c.2072C>A at the cDNA level, p.Ala691Asp (A691D) at the protein level, and results in the change of an Alanine to an Aspartic Acid (GCC>GAC). This variant has not, to our knowledge, been published in the literature as pathogenic or benign. CDH1 Ala691Asp was not observed at a significant allele frequency in 1000 Genomes. Since Alanine and Aspartic Acid differ in polarity, charge, size or other properties, this is considered a non-conservative amino acid substitution. CDH1 Ala691Asp occurs at a position that is not conserved and is located in the Cadherin 5 domain (Brooks-Wilson 2004, Figueiredo 2013). In silico analyses predict that this variant is unlikely to alter protein structure or function. Based on currently available evidence, it is unclear whether CDH1 Ala691Asp is a pathogenic or benign variant. We consider it to be a variant of uncertain significance.

NM_004360.5(CDH1):c.2072C>A (p.Ala691Asp)

Gene: CDH1 (cadherin 1; plus strand). Cytogenetic location: 16q22.1.
Variant type: single nucleotide variant.
Coding change: c.2072C>A on transcript NM_004360.5 (MANE Select); coding-DNA position 2072, C replaced by A.
Protein change: p.Ala691Asp; replaces alanine 691 with aspartic acid.
Molecular consequence: missense variant.
Genome position (GRCh38, 1-based): chr16:68,823,534, C>A. VCF-style: chr16-68823534-C-A. GRCh37 (hg19) VCF-style: chr16-68857437-C-A.
Other names: c.1889C>A, p.Ala630Asp (NM_001317184.2); c.524C>A, p.Ala175Asp (NM_001317185.2); c.107C>A, p.Ala36Asp (NM_001317186.2); c.2072C>A (LRG_301t1); short protein forms A691D, A36D, A175D, A630D.
Identifiers: ClinVar variation 449851 (VCV000449851.24), dbSNP rs569086883, ClinGen allele CA8130191.